The following is an entry in ClinVar:

ClinVar aggregate classification (germline): Conflicting classifications of pathogenicity. Review status: criteria provided, conflicting classifications (1 of 4 stars). 2 submissions from 2 submitters: Uncertain significance (1); Likely benign (1). Last evaluated 2025-04-03.

Conditions:
Inborn genetic diseases. Identifiers: MedGen C0950123, MeSH D030342.

gnomAD v4.1: 9 of 1,612,158 alleles (0.00056%); highest among the groups gnomAD compares: Non-Finnish European, 0.00076%; no homozygotes.

Submissions (2):

Ambry Genetics
Classification: Uncertain significance for Inborn genetic diseases. Last evaluated: 2025-04-03. Review status: criteria provided, single submitter. Criteria: Ambry Variant Classification Scheme 2023. Collection method: clinical testing. Allele origin: germline.
Comment: The p.A1066V variant (also known as c.3197C>T), located in coding exon 15 of the MECOM gene, results from a C to T substitution at nucleotide position 3197. The alanine at codon 1066 is replaced by valine, an amino acid with similar properties. This amino acid position is conserved. In addition, this alteration is predicted to be tolerated by in silico analysis. Based on the available evidence, the clinical significance of this variant remains unclear.

Blueprint Genetics
Classification: Likely benign. Last evaluated: 2024-04-24. Review status: criteria provided, single submitter. Criteria: ACMG Guidelines, 2015. Collection method: clinical testing. Allele origin: germline.

NM_004991.4(MECOM):c.3197C>T (p.Ala1066Val)

Gene: MECOM (MDS1 and EVI1 complex locus; minus strand). Cytogenetic location: 3q26.2.
Variant type: single nucleotide variant.
Coding change: c.3197C>T on transcript NM_004991.4 (MANE Select); coding-DNA position 3197, C replaced by T.
Protein change: p.Ala1066Val; replaces alanine 1066 with valine.
Molecular consequence: missense variant.
Genome position (GRCh38, 1-based): chr3:169,090,204, G>A on the plus strand (C>T on the coding strand, the complement: MECOM is on the minus strand). VCF-style: chr3-169090204-G-A. GRCh37 (hg19) VCF-style: chr3-168807992-G-A.
Other names: c.2828C>T, p.Ala943Val (NM_001105077.4); c.2633C>T, p.Ala878Val (NM_001105078.4, NM_001205194.2, NM_001366469.2 and 1 more transcripts); c.2609C>T, p.Ala870Val (NM_001163999.2, NM_001366470.2); c.2606C>T, p.Ala869Val (NM_001164000.2, NM_001366471.2, NM_001366472.2); c.3170C>T, p.Ala1057Val (NM_001366466.2); c.2636C>T, p.Ala879Val (NM_001366467.2, NM_001366468.2); c.2198C>T, p.Ala733Val (NM_001366473.2); c.1634C>T, p.Ala545Val (NM_001366474.2); short protein forms A1066V, A545V, A879V, A869V, A1057V, A870V, A943V, A733V.
Identifiers: ClinVar variation 3394391 (VCV003394391.3).